The following is an entry in ClinVar:

ClinVar aggregate classification (germline): Uncertain significance. Review status: criteria provided, single submitter (1 of 4 stars). 2 submissions from 2 submitters: Uncertain significance (1). 1 of the submissions does not count toward it. Last evaluated 2024-12-29.

Conditions:
Inborn genetic diseases. Identifiers: MedGen C0950123, MeSH D030342.
MECOM-related disorder. Also called: MECOM-related condition.

Allele frequency attached by ClinVar (database versions not stated): TOPMed below 0.00001; gnomAD 0.00001.
gnomAD v4.1: 1 of 1,611,386 alleles (0.000062%); highest among the groups gnomAD compares: African/African-American, 0.0013%; no homozygotes.

Submissions (2):

Ambry Genetics
Classification: Uncertain significance for Inborn genetic diseases. Last evaluated: 2024-12-29. Review status: criteria provided, single submitter. Criteria: Ambry Variant Classification Scheme 2023. Collection method: clinical testing. Allele origin: germline.
Comment: The p.I151V variant (also known as c.451A>G), located in coding exon 3 of the MECOM gene, results from an A to G substitution at nucleotide position 451. The isoleucine at codon 151 is replaced by valine, an amino acid with highly similar properties. This amino acid position is conserved. In addition, this alteration is predicted to be tolerated by in silico analysis. Based on the available evidence, the clinical significance of this variant remains unclear.

PreventionGenetics, part of Exact Sciences
Classification: Uncertain significance for MECOM-related condition. Last evaluated: 2023-12-20. Review status: no assertion criteria provided. Collection method: clinical testing. Allele origin: germline. Not counted in ClinVar's aggregate classification.
Comment: The MECOM c.451A>G variant is predicted to result in the amino acid substitution p.Ile151Val. To our knowledge, this variant has not been reported in the literature or in a large population database, indicating this variant is rare. At this time, the clinical significance of this variant is uncertain due to the absence of conclusive functional and genetic evidence.

NM_004991.4(MECOM):c.451A>G (p.Ile151Val)

Gene: MECOM (MDS1 and EVI1 complex locus; minus strand). Cytogenetic location: 3q26.2.
Variant type: single nucleotide variant.
Coding change: c.451A>G on transcript NM_004991.4 (MANE Select); coding-DNA position 451, A replaced by G.
Protein change: p.Ile151Val; replaces isoleucine 151 with valine.
Molecular consequence: missense variant. On other transcripts: 5 prime UTR variant (12).
Genome position (GRCh38, 1-based): chr3:169,143,757, T>C on the plus strand (A>G on the coding strand, the complement: MECOM is on the minus strand). VCF-style: chr3-169143757-T-C. GRCh37 (hg19) VCF-style: chr3-168861545-T-C.
Other names: c.79A>G, p.Ile27Val (NM_001105077.4); c.-114A>G (NM_001105078.4, NM_001163999.2, NM_001164000.2 and 9 more transcripts); c.451A>G, p.Ile151Val (NM_001366466.2, NM_001366473.2); short protein forms I151V, I27V.
Identifiers: ClinVar variation 2628564 (VCV002628564.4), dbSNP rs1428274897, ClinGen allele CA355075569.